The following is an entry in ClinVar:

ClinVar aggregate classification (germline): Uncertain significance (1 of 4 stars; one submission).

Allele frequency attached by ClinVar (database versions not stated): TOPMed below 0.00001; ExAC 0.00001; gnomAD 0.00001; gnomAD exomes 0.00001; 1000 Genomes Project 30x 0.00016; 1000 Genomes Project 0.00020.
gnomAD v4.1: 17 of 1,611,608 alleles (0.0011%); highest among the groups gnomAD compares: South Asian, 0.013%; no homozygotes.

Submission:

Labcorp Genetics (formerly Invitae), Labcorp
Classification: Uncertain significance. Last evaluated: 2024-10-24. Review status: criteria provided, single submitter. Criteria: Invitae Variant Classification Sherloc (09022015). Collection method: clinical testing. Allele origin: germline.
Comment: This sequence change replaces asparagine, which is neutral and polar, with serine, which is neutral and polar, at codon 1285 of the RAI1 protein (p.Asn1285Ser). This variant is present in population databases (rs545104464, gnomAD 0.01%). This variant has not been reported in the literature in individuals affected with RAI1-related conditions. Invitae Evidence Modeling of protein sequence and biophysical properties (such as structural, functional, and spatial information, amino acid conservation, physicochemical variation, residue mobility, and thermodynamic stability) indicates that this missense variant is not expected to disrupt RAI1 protein function with a negative predictive value of 80%. In summary, the available evidence is currently insufficient to determine the role of this variant in disease. Therefore, it has been classified as a Variant of Uncertain Significance.

NM_030665.4(RAI1):c.3854A>G (p.Asn1285Ser)

Gene: RAI1 (retinoic acid induced 1; plus strand). Cytogenetic location: 17p11.2.
Variant type: single nucleotide variant.
Coding change: c.3854A>G on transcript NM_030665.4 (MANE Select); coding-DNA position 3854, A replaced by G.
Protein change: p.Asn1285Ser; replaces asparagine 1285 with serine.
Molecular consequence: missense variant.
Genome position (GRCh38, 1-based): chr17:17,796,802, A>G. VCF-style: chr17-17796802-A-G. GRCh37 (hg19) VCF-style: chr17-17700116-A-G.
Other names: short protein forms N1285S.
Identifiers: ClinVar variation 2910332 (VCV002910332.3), dbSNP rs545104464, ClinGen allele CA8418839.